The following is an entry in ClinVar:

ClinVar aggregate classification (germline): Uncertain significance. Review status: criteria provided, multiple submitters, no conflicts (2 of 4 stars). 3 submissions from 3 submitters: Uncertain significance (3). Last evaluated 2026-01-24.

Conditions:
Cardiomyopathy (CMYO). Also called: Cardiomyopathies. Identifiers: Orphanet 167848, MedGen C0878544, MONDO:0004994, HP:0001638. Inheritance: Various modes of inheritance.
Lethal congenital glycogen storage disease of heart. Also called: GLYCOGEN STORAGE DISEASE OF HEART; PHOSPHORYLASE KINASE DEFICIENCY OF HEART. Identifiers: Orphanet 439854, MedGen C1849813, MONDO:0009867, OMIM 261740.
Hypertrophic cardiomyopathy. Also called: HYPERTROPHIC MYOCARDIOPATHY. Identifiers: Orphanet 217569, MedGen C0007194, MeSH D002312, MONDO:0005045, HP:0001639.

Allele frequency attached by ClinVar (database versions not stated): gnomAD 0.00001.

Submissions (3):

Labcorp Genetics (formerly Invitae), Labcorp
Classification: Uncertain significance for Lethal congenital glycogen storage disease of heart. Last evaluated: 2026-01-24. Review status: criteria provided, single submitter. Criteria: Invitae Variant Classification Sherloc (09022015). Collection method: clinical testing. Allele origin: germline.
Comment: This sequence change replaces lysine, which is basic and polar, with glutamic acid, which is acidic and polar, at codon 310 of the PRKAG2 protein (p.Lys310Glu). This variant is not present in population databases (gnomAD no frequency). This variant has not been reported in the literature in individuals affected with PRKAG2-related conditions. ClinVar contains an entry for this variant (Variation ID: 2141839). Invitae Evidence Modeling of protein sequence and biophysical properties (such as structural, functional, and spatial information, amino acid conservation, physicochemical variation, residue mobility, and thermodynamic stability) indicates that this missense variant is not expected to disrupt PRKAG2 protein function with a negative predictive value of 95%. In summary, the available evidence is currently insufficient to determine the role of this variant in disease. Therefore, it has been classified as a Variant of Uncertain Significance.

Color Diagnostics, LLC DBA Color Health
Classification: Uncertain significance for Cardiomyopathy. Last evaluated: 2024-03-06. Review status: criteria provided, single submitter. Criteria: ACMG Guidelines, 2015. Collection method: clinical testing. Allele origin: germline.
Comment: This missense variant replaces lysine with glutamic acid at codon 310 of the PRKAG2 protein. Computational prediction suggests that this variant may not impact protein structure and function (internally defined REVEL score threshold <= 0.5, PMID: 27666373). To our knowledge, functional studies have not been reported for this variant. This variant has not been reported in individuals affected with cardiovascular disorders in the literature. This variant has not been identified in the general population by the Genome Aggregation Database (gnomAD). The available evidence is insufficient to determine the role of this variant in disease conclusively. Therefore, this variant is classified as a Variant of Uncertain Significance.

All of Us Research Program, National Institutes of Health
Classification: Uncertain significance for Hypertrophic cardiomyopathy. Last evaluated: 2023-08-15. Review status: criteria provided, single submitter. Criteria: ACMG Guidelines, 2015. Collection method: clinical testing. Allele origin: germline. Inheritance: Autosomal dominant inheritance. Observed: 1 variant allele, 1 heterozygote.
Comment: This missense variant replaces lysine with glutamic acid at codon 310 of the PRKAG2 protein. Computational prediction suggests that this variant may not impact protein structure and function (internally defined REVEL score threshold <= 0.5, PMID: 27666373). To our knowledge, functional studies have not been reported for this variant. This variant has not been reported in individuals affected with cardiovascular disorders in the literature. This variant has not been identified in the general population by the Genome Aggregation Database (gnomAD). The available evidence is insufficient to determine the role of this variant in disease conclusively. Therefore, this variant is classified as a Variant of Uncertain Significance.

This study involves interpretation of variants in research participants for the purpose of population health screening. Participant phenotype was not available at the time of variant classification. Additional details can be found in publication PMID: 35346344, PMCID: PMC8962531

NM_016203.4(PRKAG2):c.928A>G (p.Lys310Glu)

Gene: PRKAG2 (protein kinase AMP-activated non-catalytic subunit gamma 2; minus strand). Cytogenetic location: 7q36.1.
Variant type: single nucleotide variant.
Coding change: c.928A>G on transcript NM_016203.4 (MANE Select); coding-DNA position 928, A replaced by G.
Protein change: p.Lys310Glu; replaces lysine 310 with glutamic acid.
Molecular consequence: missense variant.
Genome position (GRCh38, 1-based): chr7:151,576,389, T>C on the plus strand (A>G on the coding strand, the complement: PRKAG2 is on the minus strand). VCF-style: chr7-151576389-T-C. GRCh37 (hg19) VCF-style: chr7-151273475-T-C.
Other names: c.796A>G, p.Lys266Glu (NM_001040633.2, NM_001407024.1); c.553A>G, p.Lys185Glu (NM_001304527.2, NM_001407029.1); c.205A>G, p.Lys69Glu (NM_001304531.2, NM_001407034.1, NM_001407035.1 and 1 more transcripts); c.556A>G, p.Lys186Glu (NM_001363698.2, NM_001407028.1); c.928A>G, p.Lys310Glu (NM_001407021.1); c.925A>G, p.Lys309Glu (NM_001407022.1, NM_001407023.1); c.793A>G, p.Lys265Glu (NM_001407026.1, NM_001407027.1); c.640A>G, p.Lys214Glu (NM_001407030.1); and 6 more; short protein forms K204E, K310E, K68E, K202E, K266E, K309E, K85E, K89E.
Identifiers: ClinVar variation 2141839 (VCV002141839.5), dbSNP rs1019507853, ClinGen allele CA169167816.